The following is an entry in ClinVar:

NM_006393.3(NEBL):c.311G>T (p.Arg104Leu)

Gene: NEBL (nebulette; minus strand). Cytogenetic location: 10p12.31.
Variant type: single nucleotide variant.
Coding change: c.311G>T on transcript NM_006393.3 (MANE Select); coding-DNA position 311, G replaced by T.
Protein change: p.Arg104Leu; replaces arginine 104 with leucine.
Molecular consequence: missense variant. On other transcripts: intron variant (9).
Genome position (GRCh38, 1-based): chr10:20,888,155, C>A on the plus strand (G>T on the coding strand, the complement: NEBL is on the minus strand). VCF-style: chr10-20888155-C-A. GRCh37 (hg19) VCF-style: chr10-21177084-C-A.
Other names: c.249+73517G>T (NM_001377326.1, NM_001377327.1, NM_001377328.1); c.357+73517G>T (NM_213569.2, NM_001173484.2, NM_001377322.1); c.300+73517G>T (NM_001377324.1); c.291+73517G>T (NM_001377325.1); c.309+73517G>T (NM_001377323.1); short protein forms R104L.
Identifiers: ClinVar variation 2726989 (VCV002726989.3), dbSNP rs537661572, ClinGen allele CA376096180.
Genomic context (GRCh38, chr10:20,888,155, plus strand): 5'-ACCTCACTCTGGAGCTGTGTAACTTCTCCTGCAAAAACACTGTCAATTGTGGCTGGCATC[C>A]GCTTATAAAGAGAATTAGAAAGGTCAGCTTTAATGGTGCCTTTGTATTTTGCCTGGGGGA-3'
Protein context (NP_006384.1, residues 94-114): KADLSNSLYK[Arg104Leu]MPATIDSVFA

ClinVar aggregate classification (germline): Uncertain significance (1 of 4 stars; one submission).

Conditions:
Primary dilated cardiomyopathy (DCM). Also called: Dilated Cardiomyopathy. Identifiers: Orphanet 217604, MedGen C0007193, MeSH D002311, MONDO:0005021, HP:0001644. Inheritance: Various modes of inheritance.

Submission:

Labcorp Genetics (formerly Invitae), Labcorp
Classification: Uncertain significance for Primary dilated cardiomyopathy. Last evaluated: 2023-06-24. Review status: criteria provided, single submitter. Criteria: Invitae Variant Classification Sherloc (09022015). Collection method: clinical testing. Allele origin: germline.
Comment: In summary, the available evidence is currently insufficient to determine the role of this variant in disease. Therefore, it has been classified as a Variant of Uncertain Significance. An algorithm developed to predict the effect of missense changes on protein structure and function (PolyPhen-2) suggests that this variant is likely to be tolerated. This variant has not been reported in the literature in individuals affected with NEBL-related conditions. This variant is not present in population databases (gnomAD no frequency). This sequence change replaces arginine, which is basic and polar, with leucine, which is neutral and non-polar, at codon 104 of the NEBL protein (p.Arg104Leu).